The following is an entry in ClinVar:

NM_000400.4(ERCC2):c.854dup (p.Tyr285Ter)

Gene: ERCC2 (ERCC excision repair 2, TFIIH core complex helicase subunit; minus strand). Cytogenetic location: 19q13.32.
Variant type: Duplication.
Coding change: c.854dup on transcript NM_000400.4 (MANE Select); coding-DNA position 854, one base duplicated (A; older notation c.854dupA).
Protein change: p.Tyr285Ter; replaces tyrosine 285 with a stop codon.
Molecular consequence: nonsense.
Genome position (GRCh38, 1-based): chr19:45,364,081, T duplicated on the plus strand (A on the coding strand, the reverse complement: ERCC2 is on the minus strand). VCF-style (leftmost placement, unchanged base first): chr19-45364080-G-GT. GRCh37 (hg19) VCF-style: chr19-45867338-G-GT.
Other names: c.782dup, p.Tyr261Ter (NM_001130867.2); short protein forms Y261*, Y285*.
Identifiers: ClinVar variation 3639283 (VCV003639283.2).
Genomic context (GRCh38, chr19:45,364,080, plus strand): 5'-CAGGTGGGCGTCCGTCTCCCGGGCGGCGCTGGCCTCCCGCAGCCCCTCCACCAGACGCCG[G>GT]TACTCGTCCCGCAGGCGCTGCTCGTCTGTCTCTTTGATCCTGCGGAGAGATGAGCTGGGG-3'

ClinVar aggregate classification (germline): Pathogenic (1 of 4 stars; one submission).

Submission:

Labcorp Genetics (formerly Invitae), Labcorp
Classification: Pathogenic. Last evaluated: 2024-02-06. Review status: criteria provided, single submitter. Criteria: Invitae Variant Classification Sherloc (09022015). Collection method: clinical testing. Allele origin: germline.
Comment: This sequence change creates a premature translational stop signal (p.Tyr285*) in the ERCC2 gene. It is expected to result in an absent or disrupted protein product. Loss-of-function variants in ERCC2 are known to be pathogenic (PMID: 9238033, 11335038, 19085937, 19934020). This variant is not present in population databases (gnomAD no frequency). This variant has not been reported in the literature in individuals affected with ERCC2-related conditions. For these reasons, this variant has been classified as Pathogenic.

Literature cited by the submitters: PubMed 9238033; PubMed 11335038; PubMed 19085937; PubMed 19934020.